The following is an entry in ClinVar:

NM_006947.4(SRP72):c.1128G>C (p.Lys376Asn)

Gene: SRP72 (signal recognition particle 72; plus strand). Cytogenetic location: 4q12.
Variant type: single nucleotide variant.
Coding change: c.1128G>C on transcript NM_006947.4 (MANE Select); coding-DNA position 1128, G replaced by C.
Protein change: p.Lys376Asn; replaces lysine 376 with asparagine.
Molecular consequence: missense variant. On other transcripts: non-coding transcript variant (1).
Genome position (GRCh38, 1-based): chr4:56,486,366, G>C. VCF-style: chr4-56486366-G-C. GRCh37 (hg19) VCF-style: chr4-57352532-G-C.
Other names: c.945G>C, p.Lys315Asn (NM_001267722.2); short protein forms K315N, K376N.
Identifiers: ClinVar variation 1503631 (VCV001503631.8), dbSNP rs2110124164, ClinGen allele CA357000264.

ClinVar aggregate classification (germline): Uncertain significance (1 of 4 stars; one submission).

Submission:

Labcorp Genetics (formerly Invitae), Labcorp
Classification: Uncertain significance. Last evaluated: 2021-01-19. Review status: criteria provided, single submitter. Criteria: Invitae Variant Classification Sherloc (09022015). Collection method: clinical testing. Allele origin: germline.
Comment: This sequence change replaces lysine with asparagine at codon 376 of the SRP72 protein (p.Lys376Asn). The lysine residue is moderately conserved and there is a moderate physicochemical difference between lysine and asparagine. This variant is not present in population databases (ExAC no frequency). This variant has not been reported in the literature in individuals with SRP72-related conditions. Algorithms developed to predict the effect of missense changes on protein structure and function are either unavailable or do not agree on the potential impact of this missense change (SIFT: "Tolerated"; PolyPhen-2: "Possibly Damaging"; Align-GVGD: "Class C0"). In summary, the available evidence is currently insufficient to determine the role of this variant in disease. Therefore, it has been classified as a Variant of Uncertain Significance.